The following is an entry in ClinVar:

ClinVar aggregate classification (germline): Uncertain significance (1 of 4 stars; one submission).

Conditions:
Cognitive impairment - coarse facies - heart defects - obesity - pulmonary involvement - short stature - skeletal dysplasia syndrome. Also called: COGNITIVE IMPAIRMENT, COARSE FACIES, HEART DEFECTS, OBESITY, PULMONARY INVOLVEMENT, SHORT STATURE, AND SKELETAL DYSPLASIA; Chops syndrome; AFF4-Related CHOPS Syndrome. Identifiers: Orphanet 444077, MedGen C4085597, MONDO:0014609, OMIM 616368.

Allele frequency attached by ClinVar (database versions not stated): gnomAD exomes 0.00001; TOPMed 0.00001; ExAC 0.00002; ESP Exome Variant Server 0.00008.
gnomAD v4.1: 18 of 1,614,174 alleles (0.0011%); highest among the groups gnomAD compares: Non-Finnish European, 0.0015%; no homozygotes.

Submission:

Labcorp Genetics (formerly Invitae), Labcorp
Classification: Uncertain significance for Cognitive impairment - coarse facies - heart defects - obesity - pulmonary involvement - short stature - skeletal dysplasia syndrome. Last evaluated: 2022-09-16. Review status: criteria provided, single submitter. Criteria: Invitae Variant Classification Sherloc (09022015). Collection method: clinical testing. Allele origin: germline.
Comment: This sequence change replaces histidine, which is basic and polar, with tyrosine, which is neutral and polar, at codon 274 of the AFF4 protein (p.His274Tyr). This variant is present in population databases (rs374450292, gnomAD 0.002%). This variant has not been reported in the literature in individuals affected with AFF4-related conditions. Algorithms developed to predict the effect of missense changes on protein structure and function (SIFT, PolyPhen-2, Align-GVGD) all suggest that this variant is likely to be tolerated. In summary, the available evidence is currently insufficient to determine the role of this variant in disease. Therefore, it has been classified as a Variant of Uncertain Significance.

NM_014423.4(AFF4):c.820C>T (p.His274Tyr)

Gene: AFF4 (ALF transcription elongation factor 4; minus strand). Cytogenetic location: 5q31.1.
Variant type: single nucleotide variant.
Coding change: c.820C>T on transcript NM_014423.4 (MANE Select); coding-DNA position 820, C replaced by T.
Protein change: p.His274Tyr; replaces histidine 274 with tyrosine.
Molecular consequence: missense variant.
Genome position (GRCh38, 1-based): chr5:132,934,245, G>A on the plus strand (C>T on the coding strand, the complement: AFF4 is on the minus strand). VCF-style: chr5-132934245-G-A. GRCh37 (hg19) VCF-style: chr5-132269937-G-A.
Other names: short protein forms H274Y.
Identifiers: ClinVar variation 2091054 (VCV002091054.4), dbSNP rs374450292, ClinGen allele CA3409371.
Genomic context (GRCh38, chr5:132,934,245, plus strand): 5'-GTGCTTTGCTGCTGGGCTTCAGCTCAGTCATGCTGTTGCCATGGGATTGGCTGCTGTAGT[G>A]CTCAGAGGACAGCTTTGGTTCCATGGACTCCTGTCCGTCCATGGGCCGCACATAGGCAGT-3'
Protein context (NP_055238.1, residues 264-284): ESMEPKLSSE[His274Tyr]YSSQSHGNSM